The following is an entry in ClinVar:

ClinVar aggregate classification (germline): Uncertain significance. Review status: criteria provided, multiple submitters, no conflicts (2 of 4 stars). 2 submissions from 2 submitters: Uncertain significance (2). Last evaluated 2025-06-25.

Conditions:
Neurodevelopmental disorder. Identifiers: MedGen C1535926, MeSH D065886, MONDO:0700092.

Submissions (2):

GeneDx
Classification: Uncertain significance. Last evaluated: 2025-06-25. Review status: criteria provided, single submitter. Criteria: GeneDx Variant Classification Process June 2021. Collection method: clinical testing. Allele origin: germline. Affected: yes.
Comment: Not observed at significant frequency in large population cohorts (gnomAD); In silico analysis suggests that this missense variant does not alter protein structure/function; Has not been previously published as pathogenic or benign to our knowledge

Laboratory of Molecular Genetics (Pr. Bezieau's lab), CHU de Nantes
Classification: Uncertain significance for Neurodevelopmental disorder. Last evaluated: 2018-09-20. Review status: criteria provided, single submitter. Criteria: ACMG Guidelines, 2015. Collection method: clinical testing. Allele origin: germline. Affected: yes.

NM_001348323.3(TRIP12):c.4909A>G (p.Met1637Val)

Gene: TRIP12 (thyroid hormone receptor interactor 12; minus strand). Cytogenetic location: 2q36.3.
Variant type: single nucleotide variant.
Coding change: c.4909A>G on transcript NM_001348323.3 (MANE Select); coding-DNA position 4909, A replaced by G.
Protein change: p.Met1637Val; replaces methionine 1637 with valine.
Molecular consequence: missense variant.
Genome position (GRCh38, 1-based): chr2:229,787,591, T>C on the plus strand (A>G on the coding strand, the complement: TRIP12 is on the minus strand). VCF-style: chr2-229787591-T-C. GRCh37 (hg19) VCF-style: chr2-230652307-T-C.
Other names: c.4828A>G, p.Met1610Val (NM_001284214.2, NM_001348315.2); c.4783A>G, p.Met1595Val (NM_001284215.2, NM_001348316.2); c.3874A>G, p.Met1292Val (NM_001284216.2); c.4768A>G, p.Met1590Val (NM_001348317.1, NM_001348318.2); c.4894A>G, p.Met1632Val (NM_001348319.1, NM_001348320.2); c.4897A>G, p.Met1633Val (NM_001348321.1); c.4909A>G, p.Met1637Val (NM_001348322.1, NM_001348324.2, NM_001348325.2 and 2 more transcripts); c.4912A>G, p.Met1638Val (NM_001348328.1, NM_001348329.2, NM_001348330.2); and 5 more; short protein forms M1292V, M1562V, M1563V, M1590V, M1595V, M1603V, M1610V, M1611V.
Identifiers: ClinVar variation 1064857 (VCV001064857.2), dbSNP rs2040410947, ClinGen allele CA350892750.
Genomic context (GRCh38, chr2:229,787,591, plus strand): 5'-CTCTGCTATCTTGAGAATCAGACTGGTTGATTTCTGGGTTGGTATCAAGTAATCTTTGCA[T>C]TGCTCGGTCCCGATCAAATGCAGTTACATAAAAAAGCATTTGCCGGGTATCAAAAGGAAA-3'
Protein context (NP_001335252.1, residues 1627-1647): YVTAFDRDRA[Met1637Val]QRLLDTNPEI